The following is an entry in ClinVar:

ClinVar aggregate classification (germline): Uncertain significance (1 of 4 stars; one submission).

Conditions:
Primary ciliary dyskinesia. Also called: Ciliary dyskinesia. Identifiers: Orphanet 244, MedGen C0008780, MONDO:0016575, HP:0012265.

Submission:

Labcorp Genetics (formerly Invitae), Labcorp
Classification: Uncertain significance for Primary ciliary dyskinesia. Last evaluated: 2021-05-25. Review status: criteria provided, single submitter. Criteria: Invitae Variant Classification Sherloc (09022015). Collection method: clinical testing. Allele origin: germline.
Comment: In summary, the available evidence is currently insufficient to determine the role of this variant in disease. Therefore, it has been classified as a Variant of Uncertain Significance. Algorithms developed to predict the effect of missense changes on protein structure and function are either unavailable or do not agree on the potential impact of this missense change (SIFT: "Deleterious"; PolyPhen-2: "Probably Damaging"; Align-GVGD: "Class C0"). This variant has been observed in individual(s) with clinical features of primary ciliary dyskinesia (Invitae). The frequency data for this variant in the population databases is considered unreliable, as metrics indicate insufficient coverage at this position in the ExAC database. This sequence change replaces leucine with glutamine at codon 285 of the DNAAF3 protein (p.Leu285Gln). The leucine residue is highly conserved and there is a moderate physicochemical difference between leucine and glutamine.

NM_001256715.2(DNAAF3):c.650T>A (p.Leu217Gln)

Genes: DNAAF3 (dynein axonemal assembly factor 3; minus strand), DNAAF3-AS1 (DNAAF3 antisense RNA 1; plus strand). Cytogenetic location: 19q13.42.
Variant type: single nucleotide variant.
Coding change: c.650T>A on transcript NM_001256715.2 (MANE Select); coding-DNA position 650, T replaced by A.
Protein change: p.Leu217Gln; replaces leucine 217 with glutamine.
Molecular consequence: missense variant.
Genome position (GRCh38, 1-based): chr19:55,161,656, A>T on the plus strand (T>A on the coding strand, the complement: DNAAF3 is on the minus strand). VCF-style: chr19-55161656-A-T. GRCh37 (hg19) VCF-style: chr19-55673024-A-T.
Other names: c.854T>A, p.Leu285Gln (NM_001256714.1); c.488T>A, p.Leu163Gln (NM_001256716.2); c.791T>A, p.Leu264Gln (NM_178837.4); short protein forms L217Q, L163Q, L264Q, L285Q.
Identifiers: ClinVar variation 1356202 (VCV001356202.8), dbSNP rs2147297566, ClinGen allele CA407454354.